The following is an entry in ClinVar:

ClinVar aggregate classification (germline): Benign (1 of 4 stars; one submission).

Conditions:
Retinitis pigmentosa (RP). Identifiers: Orphanet 791, MedGen C0035334, MeSH D012174, MONDO:0019200, OMIM 268000. Inheritance: Autosomal dominant, autosomal recessive and X linked inheritance.

Allele frequency attached by ClinVar (database versions not stated): gnomAD exomes 0.01457 and 0.00768; 1000 Genomes Project 30x 0.03342; gnomAD 0.00728 and 0.00898; TOPMed 0.00989; ExAC 0.01032; 1000 Genomes Project 0.03554.
gnomAD v4.1: 3,704 of 453,810 alleles (0.82%); highest among the groups gnomAD compares: East Asian, 13%; 133 homozygotes.

Submission:

Illumina Laboratory Services, Illumina
Classification: Benign for Retinitis pigmentosa. Last evaluated: 2018-01-13. Review status: criteria provided, single submitter. Criteria: ICSL Variant Classification Criteria 13 December 2019. Collection method: clinical testing. Allele origin: germline.
Comment: This variant was observed in the ICSL laboratory as part of a predisposition screen in an ostensibly healthy population. It had not been previously curated by ICSL or reported in the Human Gene Mutation Database (HGMD: prior to June 1st, 2018), and was therefore a candidate for classification through an automated scoring system. Utilizing variant allele frequency, disease prevalence and penetrance estimates, and inheritance mode, an automated score was calculated to assess if this variant is too frequent to cause the disease. Based on the score and internal cut-off values, a variant classified as benign is not then subjected to further curation. The score for this variant resulted in a classification of benign for this disease.

NM_001031710.3(KLHL7):c.*971G>T

Gene: KLHL7 (kelch like family member 7; plus strand). Cytogenetic location: 7p15.3.
Variant type: single nucleotide variant.
Coding change: c.*971G>T on transcript NM_001031710.3 (MANE Select); 971 bases downstream of the stop codon, G replaced by T.
Molecular consequence: 3 prime UTR variant. On other transcripts: non-coding transcript variant (1).
Genome position (GRCh38, 1-based): chr7:23,175,269, G>T. VCF-style: chr7-23175269-G-T. GRCh37 (hg19) VCF-style: chr7-23214888-G-T.
Other names: c.*971G>T (NM_018846.5).
Identifiers: ClinVar variation 359816 (VCV000359816.5), dbSNP rs78612254, ClinGen allele CA4186732.